The following is an entry in ClinVar:

ClinVar aggregate classification (germline): Uncertain significance. Review status: criteria provided, multiple submitters, no conflicts (2 of 4 stars). 2 submissions from 2 submitters: Uncertain significance (2). Last evaluated 2025-12-22.

Allele frequency attached by ClinVar (database versions not stated): ExAC 0.00001; gnomAD exomes 0.00002 and 0.00003; gnomAD 0.00003 and 0.00004; TOPMed 0.00003; ESP Exome Variant Server 0.00008.
gnomAD v4.1: 45 of 1,614,022 alleles (0.0028%); highest among the groups gnomAD compares: African/African-American, 0.004%; no homozygotes.

Submissions (2):

Labcorp Genetics (formerly Invitae), Labcorp
Classification: Uncertain significance. Last evaluated: 2025-12-22. Review status: criteria provided, single submitter. Criteria: Invitae Variant Classification Sherloc (09022015). Collection method: clinical testing. Allele origin: germline.
Comment: This sequence change replaces arginine, which is basic and polar, with glutamine, which is neutral and polar, at codon 503 of the ANKZF1 protein (p.Arg503Gln). This variant is present in population databases (rs376658598, gnomAD 0.004%). This variant has not been reported in the literature in individuals affected with ANKZF1-related conditions. ClinVar contains an entry for this variant (Variation ID: 1365068). An algorithm developed to predict the effect of missense changes on protein structure and function outputs the following: PolyPhen-2: "Benign". The glutamine amino acid residue is found in multiple mammalian species, which suggests that this missense change does not adversely affect protein function. In summary, the available evidence is currently insufficient to determine the role of this variant in disease. Therefore, it has been classified as a Variant of Uncertain Significance.

Ambry Genetics
Classification: Uncertain significance. Last evaluated: 2023-10-20. Review status: criteria provided, single submitter. Criteria: Ambry Variant Classification Scheme 2023. Collection method: clinical testing. Allele origin: germline.

NM_018089.3(ANKZF1):c.1508G>A (p.Arg503Gln)

Gene: ANKZF1 (ankyrin repeat and zinc finger peptidyl tRNA hydrolase 1; plus strand). Cytogenetic location: 2q35.
Variant type: single nucleotide variant.
Coding change: c.1508G>A on transcript NM_018089.3 (MANE Select); coding-DNA position 1508, G replaced by A.
Protein change: p.Arg503Gln; replaces arginine 503 with glutamine.
Molecular consequence: missense variant.
Genome position (GRCh38, 1-based): chr2:219,235,129, G>A. VCF-style: chr2-219235129-G-A. GRCh37 (hg19) VCF-style: chr2-220099851-G-A.
Other names: c.1508G>A, p.Arg503Gln (NM_001042410.2); c.878G>A, p.Arg293Gln (NM_001282792.2); c.1508G>A (NM_018089.2); short protein forms R293Q, R503Q.
Identifiers: ClinVar variation 1365068 (VCV001365068.7), dbSNP rs376658598, ClinGen allele CA2121085.